The following is an entry in ClinVar:

ClinVar aggregate classification (germline): Uncertain significance (1 of 4 stars; one submission).

Submission:

CeGaT Center for Human Genetics Tuebingen
Classification: Uncertain significance. Last evaluated: 2022-12-01. Review status: criteria provided, single submitter. Criteria: CeGaT Center For Human Genetics Tuebingen Variant Classification Criteria Version 2. Collection method: clinical testing. Allele origin: germline. Affected: yes. Observed: 1 variant allele.
Comment: FAM111A: PM2, BP4

NM_001312909.2(FAM111A):c.316A>T (p.Met106Leu)

Gene: FAM111A (FAM111 trypsin like peptidase A; plus strand). Cytogenetic location: 11q12.1.
Variant type: single nucleotide variant.
Coding change: c.316A>T on transcript NM_001312909.2 (MANE Select); coding-DNA position 316, A replaced by T.
Protein change: p.Met106Leu; replaces methionine 106 with leucine.
Molecular consequence: missense variant.
Genome position (GRCh38, 1-based): chr11:59,151,984, A>T. VCF-style: chr11-59151984-A-T. GRCh37 (hg19) VCF-style: chr11-58919457-A-T.
Other names: c.316A>T, p.Met106Leu (NM_001142521.3, NM_001312910.2, NM_001312911.2 and 29 more transcripts); short protein forms M106L.
Identifiers: ClinVar variation 2641808 (VCV002641808.24), dbSNP rs368439990, ClinGen allele CA380772079.